The following is an entry in ClinVar:

ClinVar aggregate classification (germline): Likely benign. Review status: criteria provided, multiple submitters, no conflicts (2 of 4 stars). 2 submissions from 2 submitters: Likely benign (2). Last evaluated 2022-08-22.

Conditions:
Methylmalonic acidemia with homocystinuria, type cblJ (MAHCJ). Also called: METHYLMALONIC ACIDURIA AND HOMOCYSTINURIA, cblJ TYPE. Identifiers: Orphanet 369955, MedGen C3553915, MONDO:0013925, OMIM 614857.

Allele frequency attached by ClinVar (database versions not stated): ExAC 0.00001; gnomAD 0.00001 and 0.00002; gnomAD exomes 0.00001; 1000 Genomes Project 30x 0.00016; 1000 Genomes Project 0.00020.
gnomAD v4.1: 12 of 1,614,200 alleles (0.00074%); highest among the groups gnomAD compares: East Asian, 0.0022%; no homozygotes.

Submissions (2):

Labcorp Genetics (formerly Invitae), Labcorp
Classification: Likely benign for Methylmalonic acidemia with homocystinuria, type cblJ. Last evaluated: 2022-08-22. Review status: criteria provided, single submitter. Criteria: Invitae Variant Classification Sherloc (09022015). Collection method: clinical testing. Allele origin: germline.

CeGaT Center for Human Genetics Tuebingen
Classification: Likely benign. Last evaluated: 2022-05-01. Review status: criteria provided, single submitter. Criteria: CeGaT Center For Human Genetics Tuebingen Variant Classification Criteria Version 2. Collection method: clinical testing. Allele origin: germline. Affected: yes. Observed: 1 variant allele.
Comment: ABCD4: BP4, BP7

NM_005050.4(ABCD4):c.1317G>A (p.Thr439=)

Gene: ABCD4 (ATP binding cassette subfamily D member 4; minus strand). Cytogenetic location: 14q24.3.
Variant type: single nucleotide variant.
Coding change: c.1317G>A on transcript NM_005050.4 (MANE Select); coding-DNA position 1317, G replaced by A.
Protein change: p.Thr439=; no amino-acid change (threonine 439 retained).
Molecular consequence: synonymous variant. On other transcripts: non-coding transcript variant (10).
Genome position (GRCh38, 1-based): chr14:74,290,301, C>T on the plus strand (G>A on the coding strand, the complement: ABCD4 is on the minus strand). VCF-style: chr14-74290301-C-T. GRCh37 (hg19) VCF-style: chr14-74757004-C-T.
Other names: c.1191G>A, p.Thr397= (NM_001353591.2, NM_001353592.2); c.1056G>A, p.Thr352= (NM_001353593.2); c.1005G>A, p.Thr335= (NM_001353594.2); c.903G>A, p.Thr301= (NM_001353595.2, NM_001353596.2); c.852G>A, p.Thr284= (NM_001353597.2); c.840G>A, p.Thr280= (NM_001353598.2, NM_001353599.2, NM_001353600.2 and 2 more transcripts); c.528G>A, p.Thr176= (NM_001353602.2, NM_001353603.2, NM_001353604.2 and 6 more transcripts); c.1317G>A, p.Thr439= (NM_020325.3).
Identifiers: ClinVar variation 1125109 (VCV001125109.32), dbSNP rs201586690, ClinGen allele CA7266863.